The following is an entry in ClinVar:

ClinVar aggregate classification (germline): Benign/Likely benign. Review status: criteria provided, multiple submitters, no conflicts (2 of 4 stars). 6 submissions from 6 submitters: Benign (5); Likely benign (1). Last evaluated 2026-02-02.

Conditions:
Junctional epidermolysis bullosa with pyloric atresia. Also called: Epidermolysis bullosa, junctional, with pyloric atresia and aplasia cutis congenita; Epidermolysis bullosa junctionalis with pyloric atresia; Junctional Epidermolysis Bullosa- Pyloric Atresia Syndrome; APLASIA CUTIS CONGENITA WITH GASTROINTESTINAL ATRESIA; CARMI SYNDROME; EB-PA-ACC. Identifiers: Orphanet 79403, MedGen C5676875, MONDO:0009183, OMIM 226730.

Allele frequency attached by ClinVar (database versions not stated): 1000 Genomes Project 0.00539; 1000 Genomes Project 30x 0.00625; TOPMed 0.01207; gnomAD 0.01208 and 0.01220; ExAC 0.01313; ESP Exome Variant Server 0.01369.
gnomAD v4.1: 24,436 of 1,614,068 alleles (1.5%); highest among the groups gnomAD compares: Middle Eastern, 2.3%; 271 homozygotes.

Submissions (6):

Labcorp Genetics (formerly Invitae), Labcorp
Classification: Benign. Last evaluated: 2026-02-02. Review status: criteria provided, single submitter. Criteria: Invitae Variant Classification Sherloc (09022015). Collection method: clinical testing. Allele origin: germline.

Blueprint Genetics
Classification: Likely benign. Last evaluated: 2024-11-28. Review status: criteria provided, single submitter. Criteria: ACMG Guidelines, 2015. Collection method: clinical testing. Allele origin: germline.

Mayo Clinic Laboratories, Mayo Clinic
Classification: Benign. Last evaluated: 2022-03-09. Review status: criteria provided, single submitter. Criteria: ACMG Guidelines, 2015. Collection method: clinical testing. Allele origin: germline. Observed: 5 variant alleles.

GeneDx
Classification: Benign. Last evaluated: 2021-03-05. Review status: criteria provided, single submitter. Criteria: GeneDx Variant Classification Process June 2021. Collection method: clinical testing. Allele origin: germline. Affected: yes.
Comment: This variant is associated with the following publications: (PMID: 9792864)

Illumina Laboratory Services, Illumina
Classification: Benign for Junctional epidermolysis bullosa with pyloric atresia. Last evaluated: 2018-01-13. Review status: criteria provided, single submitter. Criteria: ICSL Variant Classification Criteria 13 December 2019. Collection method: clinical testing. Allele origin: germline.
Comment: This variant was observed in the ICSL laboratory as part of a predisposition screen in an ostensibly healthy population. It had not been previously curated by ICSL or reported in the Human Gene Mutation Database (HGMD: prior to June 1st, 2018), and was therefore a candidate for classification through an automated scoring system. Utilizing variant allele frequency, disease prevalence and penetrance estimates, and inheritance mode, an automated score was calculated to assess if this variant is too frequent to cause the disease. Based on the score and internal cut-off values, a variant classified as benign is not then subjected to further curation. The score for this variant resulted in a classification of benign for this disease.

Breakthrough Genomics
Classification: Benign. Review status: criteria provided, single submitter. Criteria: ACMG Guidelines, 2015. Collection method: not provided. Allele origin: germline. Inheritance: Autosomal recessive inheritance. Affected: yes.

NM_000213.5(ITGB4):c.1544G>A (p.Arg515His)

Gene: ITGB4 (integrin subunit beta 4; plus strand). Cytogenetic location: 17q25.1.
Variant type: single nucleotide variant.
Coding change: c.1544G>A on transcript NM_000213.5 (MANE Select); coding-DNA position 1544, G replaced by A.
Protein change: p.Arg515His; replaces arginine 515 with histidine.
Molecular consequence: missense variant.
Genome position (GRCh38, 1-based): chr17:75,733,579, G>A. VCF-style: chr17-75733579-G-A. GRCh37 (hg19) VCF-style: chr17-73729660-G-A.
Other names: p.Arg515His; c.1544G>A, p.Arg515His (NM_001005619.2, NM_001005731.3, NM_001321123.2); short protein forms R515H.
Identifiers: ClinVar variation 890463 (VCV000890463.17), dbSNP rs61735297, ClinGen allele CA8769053.